The following is an entry in ClinVar:

NM_000465.4(BARD1):c.1013C>T (p.Thr338Ile)

Gene: BARD1 (BRCA1 associated RING domain 1; minus strand). Cytogenetic location: 2q35.
Variant type: single nucleotide variant.
Coding change: c.1013C>T on transcript NM_000465.4 (MANE Select); coding-DNA position 1013, C replaced by T.
Protein change: p.Thr338Ile; replaces threonine 338 with isoleucine.
Molecular consequence: missense variant. On other transcripts: non-coding transcript variant (2), intron variant (3).
Genome position (GRCh38, 1-based): chr2:214,780,861, G>A on the plus strand (C>T on the coding strand, the complement: BARD1 is on the minus strand). VCF-style: chr2-214780861-G-A. GRCh37 (hg19) VCF-style: chr2-215645585-G-A.
Other names: c.956C>T, p.Thr319Ile (NM_001282543.2); c.159-28306C>T (NM_001282548.2); c.215+16200C>T (NM_001282545.2); c.364+11436C>T (NM_001282549.2); short protein forms T319I, T338I.
Identifiers: ClinVar variation 2854606 (VCV002854606.3), dbSNP rs587781313, ClinGen allele CA350454356.

ClinVar aggregate classification (germline): Uncertain significance (1 of 4 stars; one submission).

Conditions:
Familial cancer of breast. Also called: Hereditary breast cancer; BREAST CANCER, FAMILIAL; hereditary breast carcinoma. Identifiers: Orphanet 227535, MedGen C0346153, MONDO:0016419, OMIM 114480. Disease mechanism: loss of function.

Submission:

Labcorp Genetics (formerly Invitae), Labcorp
Classification: Uncertain significance for Familial cancer of breast. Last evaluated: 2023-04-10. Review status: criteria provided, single submitter. Criteria: Invitae Variant Classification Sherloc (09022015). Collection method: clinical testing. Allele origin: germline.
Comment: In summary, the available evidence is currently insufficient to determine the role of this variant in disease. Therefore, it has been classified as a Variant of Uncertain Significance. An algorithm developed to predict the effect of missense changes on protein structure and function (PolyPhen-2) suggests that this variant is likely to be tolerated. This variant has not been reported in the literature in individuals affected with BARD1-related conditions. This variant is not present in population databases (gnomAD no frequency). This sequence change replaces threonine, which is neutral and polar, with isoleucine, which is neutral and non-polar, at codon 338 of the BARD1 protein (p.Thr338Ile).